The following is an entry in ClinVar:

NM_000284.4(PDHA1):c.727T>A (p.Tyr243Asn)

Gene: PDHA1 (pyruvate dehydrogenase E1 subunit alpha 1; plus strand). Cytogenetic location: Xp22.12.
Variant type: single nucleotide variant.
Coding change: c.727T>A on transcript NM_000284.4 (MANE Select); coding-DNA position 727, T replaced by A.
Protein change: p.Tyr243Asn; replaces tyrosine 243 with asparagine.
Molecular consequence: missense variant.
Genome position (GRCh38, 1-based): chrX:19,355,472, T>A. VCF-style: chrX-19355472-T-A. GRCh37 (hg19) VCF-style: chrX-19373590-T-A.
Other names: c.841T>A, p.Tyr281Asn (NM_001173454.2); c.748T>A, p.Tyr250Asn (NM_001173455.2); c.634T>A, p.Tyr212Asn (NM_001173456.2); c.727T>A (NM_000284.3); short protein forms Y243N, Y281N, Y212N, Y250N.
Identifiers: ClinVar variation 10883 (VCV000010883.3), dbSNP rs137853255, ClinGen allele CA121218.

ClinVar aggregate classification (germline): Pathogenic. Review status: no assertion criteria provided (0 of 4 stars). 2 submissions from 2 submitters: Pathogenic (2). Last evaluated 2024-10-15.

Conditions:
Pyruvate dehydrogenase E1-alpha deficiency (PDHAD). Also called: ATAXIA, INTERMITTENT, WITH PYRUVATE DEHYDROGENASE DEFICIENCY; ATAXIA WITH LACTIC ACIDOSIS I; ATAXIA, INTERMITTENT, WITH ABNORMAL PYRUVATE METABOLISM; Ataxia, intermittent, with pyruvate dehydrogenase, or decarboxylase, deficiency. Identifiers: Orphanet 79243, MedGen C1839413, MONDO:0010717, OMIM 312170.

Submissions (2):

PDHA1 Study Group, University Children’s Hospital, Paracelsus Medical University
Classification: Pathogenic for Pyruvate dehydrogenase E1-alpha deficiency. Last evaluated: 2024-10-15. Review status: no assertion criteria provided. Collection method: research. Allele origin: germline. Affected: yes. Observed: 1 variant allele.
Comment: The NM_000284.3:c.727T>A (p.Tyr243Asn) substitution is a missense variant in PDHA1 gene. The variant has been reported in 1 published case (PMIDs: 8032855). Last literature search: July 12, 2024. This variant is absent or extremely rare in population-based cohorts in the Genome Aggregation Database (gnomAD). Individuals harboring this variant presented with clinical features compatible with PDHA1-related PDHc deficiency. In summary, this variant meets criteria to be classified as pathogenic (P) for PDHA1-related PDHc deficiency based on the ACMG/AMP criteria applied: PS3, PM1, PM2, PM5, PM7, PP3 (last assessment October 15, 2024).

OMIM
Classification: Pathogenic for PYRUVATE DEHYDROGENASE E1-ALPHA DEFICIENCY. Last evaluated: 2017-08-15. Review status: no assertion criteria provided. Collection method: literature only. Allele origin: germline.

Literature cited by the submitters: PubMed 8032855 (cited by PDHA1 Study Group, University Children’s Hospital, Paracelsus Medical University); DOI 10.1093/brain/awaf430 (cited by PDHA1 Study Group, University Children’s Hospital, Paracelsus Medical University); PubMed 7692352 (cited by OMIM).